The following is an entry in ClinVar:

NM_001267550.2(TTN):c.88462dup (p.Cys29488fs)

Genes: TTN (titin; minus strand), TTN-AS1 (TTN antisense RNA 1; plus strand). Cytogenetic location: 2q31.2.
Variant type: Duplication.
Coding change: c.88462dup on transcript NM_001267550.2 (MANE Select); coding-DNA position 88462, one base duplicated (T; older notation c.88462dupT).
Protein change: p.Cys29488fs; shifts the reading frame from cysteine 29488.
Molecular consequence: frameshift variant.
Genome position (GRCh38, 1-based): chr2:178,554,997, A duplicated on the plus strand (T on the coding strand, the reverse complement: TTN is on the minus strand). VCF-style (leftmost placement, unchanged base first): chr2-178554996-C-CA. GRCh37 (hg19) VCF-style: chr2-179419723-C-CA.
Other names: c.83539dup, p.Cys27847fs (NM_001256850.1); c.61267dup, p.Cys20423fs (NM_003319.4); c.80758dup, p.Cys26920fs (NM_133378.4); c.61642dup, p.Cys20548fs (NM_133432.3); c.61843dup, p.Cys20615fs (NM_133437.4); short protein forms C20423fs, C20548fs, C20615fs, C26920fs, C27847fs, C29488fs.
Identifiers: ClinVar variation 1071779 (VCV001071779.12), dbSNP rs2154153413, ClinGen allele CA2499215333.

ClinVar aggregate classification (germline): Pathogenic (1 of 4 stars; one submission).

Conditions:
Dilated cardiomyopathy 1G (CMD1G). Identifiers: Orphanet 154, MedGen C1858763, MONDO:0011400, OMIM 604145.
Autosomal recessive limb-girdle muscular dystrophy type 2J (LGMDR10). Also called: Limb-girdle muscular dystrophy, type 2J; MUSCULAR DYSTROPHY, LIMB-GIRDLE, AUTOSOMAL RECESSIVE 10. Identifiers: Orphanet 140922, MedGen C1837342, MONDO:0012127, OMIM 608807.

Submission:

Labcorp Genetics (formerly Invitae), Labcorp
Classification: Pathogenic for Dilated cardiomyopathy 1G; Autosomal recessive limb-girdle muscular dystrophy type 2J. Last evaluated: 2025-03-31. Review status: criteria provided, single submitter. Criteria: Invitae Variant Classification Sherloc (09022015). Collection method: clinical testing. Allele origin: germline.
Comment: This sequence change creates a premature translational stop signal (p.Cys29488Leufs*3) in the TTN gene. While this is not anticipated to result in nonsense mediated decay, it is expected to create a truncated TTN protein. This variant is not present in population databases (gnomAD no frequency). This premature translational stop signal has been observed in individuals with dilated cardiomyopathy (internal data). ClinVar contains an entry for this variant (Variation ID: 1071779). This variant is located in the A band of TTN (PMID: 25589632). Truncating variants in this region are significantly overrepresented in patients affected with dilated cardiomyopathy (PMID: 25589632). Truncating variants in this region have also been reported in individuals affected with autosomal recessive centronuclear myopathy (PMID: 23975875). For these reasons, this variant has been classified as Pathogenic.

Literature cited by the submitters: PubMed 25589632; PubMed 23975875.